The following is an entry in ClinVar:

NM_001036.6(RYR3):c.4495C>T (p.Leu1499Phe)

Gene: RYR3 (ryanodine receptor 3; plus strand). Cytogenetic location: 15q14.
Variant type: single nucleotide variant.
Coding change: c.4495C>T on transcript NM_001036.6 (MANE Select); coding-DNA position 4495, C replaced by T.
Protein change: p.Leu1499Phe; replaces leucine 1499 with phenylalanine.
Molecular consequence: missense variant.
Genome position (GRCh38, 1-based): chr15:33,660,296, C>T. VCF-style: chr15-33660296-C-T. GRCh37 (hg19) VCF-style: chr15-33952497-C-T.
Other names: c.4495C>T (NM_001036.3); c.4495C>T, p.Leu1499Phe (NM_001243996.4); short protein forms L1499F.
Identifiers: ClinVar variation 640785 (VCV000640785.11), dbSNP rs757410936, ClinGen allele CA7459025.
Genomic context (GRCh38, chr15:33,660,296, plus strand): 5'-GAGAAGAACCCAGTCCCACAGTGTCCACCTCGGCTGGACGTCCAAACCATCCAGCCCGTG[C>T]TCTGGAGCCGCATGCCCAACAGCTTCCTGAAGGTGGAGACCGAGCGTGTGAGCGAGCGCC-3'
Protein context (NP_001027.3, residues 1489-1509): RLDVQTIQPV[Leu1499Phe]WSRMPNSFLK

ClinVar aggregate classification (germline): Uncertain significance. Review status: criteria provided, multiple submitters, no conflicts (2 of 4 stars). 2 submissions from 2 submitters: Uncertain significance (2). Last evaluated 2024-06-22.

Conditions:
Epileptic encephalopathy. Identifiers: MedGen C0543888, HP:0200134.

Allele frequency attached by ClinVar (database versions not stated): gnomAD 0.00001; ExAC 0.00004; TOPMed 0.00004; gnomAD exomes 0.00005.
gnomAD v4.1: 12 of 1,571,180 alleles (0.00076%); highest among the groups gnomAD compares: Admixed American, 0.022%; 1 homozygote.

Submissions (2):

Ambry Genetics
Classification: Uncertain significance. Last evaluated: 2024-06-22. Review status: criteria provided, single submitter. Criteria: Ambry Variant Classification Scheme 2023. Collection method: clinical testing. Allele origin: germline.

Labcorp Genetics (formerly Invitae), Labcorp
Classification: Uncertain significance for Epileptic encephalopathy. Last evaluated: 2020-03-05. Review status: criteria provided, single submitter. Criteria: Invitae Variant Classification Sherloc (09022015). Collection method: clinical testing. Allele origin: germline.
Comment: In summary, the available evidence is currently insufficient to determine the role of this variant in disease. Therefore, it has been classified as a Variant of Uncertain Significance. Algorithms developed to predict the effect of missense changes on protein structure and function are either unavailable or do not agree on the potential impact of this missense change (SIFT: "Deleterious"; PolyPhen-2: "Probably Damaging"; Align-GVGD: "Class C15"). This variant has not been reported in the literature in individuals with RYR3-related disease. This variant is present in population databases (rs757410936, ExAC 0.1%). This sequence change replaces leucine with phenylalanine at codon 1499 of the RYR3 protein (p.Leu1499Phe). The leucine residue is highly conserved and there is a small physicochemical difference between leucine and phenylalanine.